The following is an entry in ClinVar:

ClinVar aggregate classification (germline): Uncertain significance. Review status: criteria provided, multiple submitters, no conflicts (2 of 4 stars). 2 submissions from 2 submitters: Uncertain significance (2). Last evaluated 2025-10-21.

Conditions:
ROR1-related disorder. Also called: ROR1-related condition.

gnomAD v4.1: 11 of 1,613,520 alleles (0.00068%); highest among the groups gnomAD compares: Admixed American, 0.018%; no homozygotes.

Submissions (2):

Ambry Genetics
Classification: Uncertain significance. Last evaluated: 2025-10-21. Review status: criteria provided, single submitter. Criteria: Ambry Variant Classification Scheme 2023. Collection method: clinical testing. Allele origin: germline.

PreventionGenetics, part of Exact Sciences
Classification: Uncertain significance for ROR1-related condition. Last evaluated: 2025-09-11. Review status: criteria provided, single submitter. Criteria: ACMG Guidelines, 2015. Collection method: clinical testing. Allele origin: germline.
Comment: The ROR1 c.2789A>T variant is predicted to result in the amino acid substitution p.Glu930Val. To our knowledge, this variant has not been reported in the literature. This variant is reported in 0.020% of alleles in individuals of Latino descent in gnomAD. At this time, the clinical significance of this variant is uncertain due to the absence of conclusive functional and genetic evidence.

NM_005012.4(ROR1):c.2789A>T (p.Glu930Val)

Gene: ROR1 (ROR family WNT receptor 1; plus strand). Cytogenetic location: 1p31.3.
Variant type: single nucleotide variant.
Coding change: c.2789A>T on transcript NM_005012.4 (MANE Select); coding-DNA position 2789, A replaced by T.
Protein change: p.Glu930Val; replaces glutamic acid 930 with valine.
Molecular consequence: missense variant.
Genome position (GRCh38, 1-based): chr1:64,178,830, A>T. VCF-style: chr1-64178830-A-T. GRCh37 (hg19) VCF-style: chr1-64644513-A-T.
Other names: c.2789A>T (NM_005012.3); short protein forms E930V.
Identifiers: ClinVar variation 4579188 (VCV004579188.2).
Genomic context (GRCh38, chr1:64,178,830, plus strand): 5'-ACAAAATTGACTCAAAGCAAGCATCTTTACTAGGAGACGCCAATATTCATGGACACACCG[A>T]ATCTATGATTTCTGCAGAACTGTAAAATGCACAACTTTTGTAAATGTGGTATACAGGACA-3'
Protein context (NP_005003.2, residues 920-937): LGDANIHGHT[Glu930Val]SMISAEL